The following is an entry in ClinVar:

NM_000179.3(MSH6):c.3173-14CT[2]

Gene: MSH6 (mutS homolog 6; plus strand). Cytogenetic location: 2p16.3.
Variant type: Microsatellite.
Coding change: c.3173-14CT[2] on transcript NM_000179.3 (MANE Select); two copies in a row of the 2-base unit CT starting at c.3173-14; the reference has three copies in a row; one copy, 2 bases deleted.
Molecular consequence: intron variant.
Genome position (GRCh38, 1-based): chr2:47,803,410-47,803,411, CT deleted; deleting any 2 consecutive bases within chr2:47,803,406-47,803,411 gives the same sequence; the position shown is the placement nearest the transcript's 3' end. VCF-style (leftmost placement, unchanged base first): chr2-47803405-CCT-C. GRCh37 (hg19) VCF-style: chr2-48030544-CCT-C.
Other names: c.2267-14CT[2] (NM_001281493.2, NM_001281494.2); c.2783-14CT[2] (NM_001281492.2); c.3173-10_3173-9delCT (NM_000179.2).
Identifiers: ClinVar variation 420504 (VCV000420504.17), dbSNP rs746607182, ClinGen allele CA070268.

ClinVar aggregate classification (germline): Likely benign. Review status: criteria provided, multiple submitters, no conflicts (2 of 4 stars). 7 submissions from 7 submitters: Likely benign (6). 1 of the submissions does not count toward it. Last evaluated 2026-01-31.

Conditions:
Hereditary cancer-predisposing syndrome. Also called: Hereditary neoplastic syndrome; Tumor predisposition; Neoplastic Syndromes, Hereditary; Hereditary Cancer Syndrome. Identifiers: Orphanet 140162, MedGen C0027672, MeSH D009386, MONDO:0015356.
Lynch syndrome. Identifiers: Orphanet 144, MedGen C4552100, MONDO:0005835. Disease mechanism: loss of function.
Lynch syndrome 5 (LYNCH5). Also called: Hereditary non-polyposis colorectal cancer, type 5; Colorectal cancer, hereditary nonpolyposis, type 5. Identifiers: Orphanet 144, MedGen C1833477, MONDO:0013710, OMIM 614350. Disease mechanism: loss of function.
MSH6-related disorder. Also called: MSH6-related condition; MSH6-Related disorders.
Hereditary nonpolyposis colorectal neoplasms. Identifiers: MedGen C0009405, MeSH D003123.

Submissions (7):

Labcorp Genetics (formerly Invitae), Labcorp
Classification: Likely benign for Hereditary nonpolyposis colorectal neoplasms. Last evaluated: 2026-01-31. Review status: criteria provided, single submitter. Criteria: Invitae Variant Classification Sherloc (09022015). Collection method: clinical testing. Allele origin: germline.

Myriad Genetics, Inc.
Classification: Likely benign for Lynch syndrome 5. Last evaluated: 2025-01-03. Review status: criteria provided, single submitter. Criteria: Myriad Autosomal Dominant, Autosomal Recessive and X-Linked Classification Criteria (2023). Collection method: clinical testing. Allele origin: unknown.
Comment: This variant is considered likely benign. This variant is intronic and is not expected to impact mRNA splicing.

Department of Pathology and Laboratory Medicine, Sinai Health System
Classification: Likely benign for Lynch syndrome. Last evaluated: 2024-04-15. Review status: criteria provided, single submitter. Criteria: ACMG Guidelines, 2015. Collection method: clinical testing. Allele origin: germline. Affected: yes.

All of Us Research Program, National Institutes of Health
Classification: Likely benign for Lynch syndrome. Last evaluated: 2023-10-23. Review status: criteria provided, single submitter. Criteria: ACMG Guidelines, 2015. Collection method: clinical testing. Allele origin: germline. Inheritance: Autosomal dominant inheritance. Observed: 3 variant alleles, 3 heterozygotes.
Comment: This study involves interpretation of variants in research participants for the purpose of population health screening. Participant phenotype was not available at the time of variant classification. Additional details can be found in publication PMID: 35346344, PMCID: PMC8962531

GeneDx
Classification: Likely benign. Last evaluated: 2019-03-11. Review status: criteria provided, single submitter. Criteria: GeneDx Variant Classification Process June 2021. Collection method: clinical testing. Allele origin: germline. Affected: yes.

Color Diagnostics, LLC DBA Color Health
Classification: Likely benign for Hereditary cancer-predisposing syndrome. Last evaluated: 2016-07-01. Review status: criteria provided, single submitter. Criteria: ACMG Guidelines, 2015. Collection method: clinical testing. Allele origin: germline.

PreventionGenetics, part of Exact Sciences
Classification: Likely benign for MSH6-related condition. Last evaluated: 2019-03-05. Review status: no assertion criteria provided. Collection method: clinical testing. Allele origin: germline. Not counted in ClinVar's aggregate classification.
Comment: This variant is classified as likely benign based on ACMG/AMP sequence variant interpretation guidelines (Richards et al. 2015 PMID: 25741868, with internal and published modifications).